The following is an entry in ClinVar:

ClinVar aggregate classification (germline): Uncertain significance. Review status: criteria provided, multiple submitters, no conflicts (2 of 4 stars). 4 submissions from 4 submitters: Uncertain significance (4). Last evaluated 2024-04-16.

Conditions:
Inborn genetic diseases. Identifiers: MedGen C0950123, MeSH D030342.
Infantile neuroaxonal dystrophy (NBIA2A). Also called: Infantile neuroaxonal dystrophy 1; NEURODEGENERATION WITH BRAIN IRON ACCUMULATION 2A; SEITELBERGER DISEASE. Identifiers: Orphanet 35069, MedGen C0270724, MONDO:0024457, OMIM 256600.
PLA2G6-related disorder. Also called: PLA2G6-related condition.

Submissions (4):

Revvity Omics, Revvity
Classification: Uncertain significance. Last evaluated: 2024-04-16. Review status: criteria provided, single submitter. Criteria: ACMG Guidelines, 2015. Collection method: clinical testing. Allele origin: germline.

PreventionGenetics, part of Exact Sciences
Classification: Uncertain significance for PLA2G6-related condition. Last evaluated: 2023-05-24. Review status: criteria provided, single submitter. Criteria: ACMG Guidelines, 2015. Collection method: clinical testing. Allele origin: germline.
Comment: The PLA2G6 c.1985T>C variant is predicted to result in the amino acid substitution p.Leu662Pro. To our knowledge, this variant has not been reported in the literature or in a large population database, indicating this variant is rare. Alternate nucleotide change affecting the same amino acid (p.Leu662Val) has been reported in the compound heterozygous state in an individual with infantile neuroaxonal dystrophy (Figure 2, Lu. 2019. PubMed ID: 31506141). Although we suspect that the c.1985T>C (p.Leu662Pro) variant may be pathogenic, at this time, the clinical significance of this variant is uncertain due to the absence of conclusive functional and genetic evidence.

Labcorp Genetics (formerly Invitae), Labcorp
Classification: Uncertain significance for Infantile neuroaxonal dystrophy. Last evaluated: 2022-03-20. Review status: criteria provided, single submitter. Criteria: Invitae Variant Classification Sherloc (09022015). Collection method: clinical testing. Allele origin: germline.
Comment: Advanced modeling of protein sequence and biophysical properties (such as structural, functional, and spatial information, amino acid conservation, physicochemical variation, residue mobility, and thermodynamic stability) performed at Invitae indicates that this missense variant is expected to disrupt PLA2G6 protein function. In summary, the available evidence is currently insufficient to determine the role of this variant in disease. Therefore, it has been classified as a Variant of Uncertain Significance. ClinVar contains an entry for this variant (Variation ID: 521066). This variant has not been reported in the literature in individuals affected with PLA2G6-related conditions. This variant is not present in population databases (gnomAD no frequency). This sequence change replaces leucine, which is neutral and non-polar, with proline, which is neutral and non-polar, at codon 662 of the PLA2G6 protein (p.Leu662Pro).

Ambry Genetics
Classification: Uncertain significance for Inborn genetic diseases. Last evaluated: 2016-06-21. Review status: criteria provided, single submitter. Criteria: Ambry exome assertion method (8-5-2015). Collection method: clinical testing. Allele origin: germline. Affected: yes. Observed: 1 variant allele.

NM_003560.4(PLA2G6):c.1985T>C (p.Leu662Pro)

Gene: PLA2G6 (phospholipase A2 group VI; minus strand). Cytogenetic location: 22q13.1.
Variant type: single nucleotide variant.
Coding change: c.1985T>C on transcript NM_003560.4 (MANE Select); coding-DNA position 1985, T replaced by C.
Protein change: p.Leu662Pro; replaces leucine 662 with proline.
Molecular consequence: missense variant.
Genome position (GRCh38, 1-based): chr22:38,115,576, A>G on the plus strand (T>C on the coding strand, the complement: PLA2G6 is on the minus strand). VCF-style: chr22-38115576-A-G. GRCh37 (hg19) VCF-style: chr22-38511583-A-G.
Other names: c.1823T>C, p.Leu608Pro (NM_001004426.3, NM_001199562.3, NM_001349865.2 and 1 more transcripts); c.1985T>C, p.Leu662Pro (NM_001349864.2); c.1451T>C, p.Leu484Pro (NM_001349867.2); c.1307T>C, p.Leu436Pro (NM_001349868.2); c.1289T>C, p.Leu430Pro (NM_001349869.2); short protein forms L662P, L436P, L484P, L608P, L430P.
Identifiers: ClinVar variation 521066 (VCV000521066.8), dbSNP rs1555978145, ClinGen allele CA411524683.